The following is an entry in ClinVar:

ClinVar aggregate classification (germline): Uncertain significance. Review status: criteria provided, multiple submitters, no conflicts (2 of 4 stars). 2 submissions from 2 submitters: Uncertain significance (2). Last evaluated 2025-03-22.

Conditions:
RASopathy. Also called: rasopathies; Noonan spectrum disorder. Identifiers: Orphanet 536391, MedGen C5555857, MONDO:0021060.

Submissions (2):

Labcorp Genetics (formerly Invitae), Labcorp
Classification: Uncertain significance for RASopathy. Last evaluated: 2025-03-22. Review status: criteria provided, single submitter. Criteria: Invitae Variant Classification Sherloc (09022015). Collection method: clinical testing. Allele origin: germline.
Comment: This sequence change replaces serine, which is neutral and polar, with isoleucine, which is neutral and non-polar, at codon 797 of the CBL protein (p.Ser797Ile). This variant is not present in population databases (gnomAD no frequency). This variant has not been reported in the literature in individuals affected with CBL-related conditions. Invitae Evidence Modeling of protein sequence and biophysical properties (such as structural, functional, and spatial information, amino acid conservation, physicochemical variation, residue mobility, and thermodynamic stability) indicates that this missense variant is not expected to disrupt CBL protein function with a negative predictive value of 95%. In summary, the available evidence is currently insufficient to determine the role of this variant in disease. Therefore, it has been classified as a Variant of Uncertain Significance.

Blueprint Genetics
Classification: Uncertain significance. Last evaluated: 2022-04-08. Review status: criteria provided, single submitter. Criteria: ACMG Guidelines, 2015. Collection method: clinical testing. Allele origin: germline.

NM_005188.4(CBL):c.2390G>T (p.Ser797Ile)

Gene: CBL (Cbl proto-oncogene; plus strand). Cytogenetic location: 11q23.3.
Variant type: single nucleotide variant.
Coding change: c.2390G>T on transcript NM_005188.4 (MANE Select); coding-DNA position 2390, G replaced by T.
Protein change: p.Ser797Ile; replaces serine 797 with isoleucine.
Molecular consequence: missense variant.
Genome position (GRCh38, 1-based): chr11:119,298,496, G>T. VCF-style: chr11-119298496-G-T. GRCh37 (hg19) VCF-style: chr11-119169206-G-T.
Other names: short protein forms S797I.
Identifiers: ClinVar variation 4800626 (VCV004800626.2).